The following is an entry in ClinVar:

NM_004523.4(KIF11):c.891G>A (p.Arg297=)

Gene: KIF11 (kinesin family member 11; plus strand). Cytogenetic location: 10q23.33.
Variant type: single nucleotide variant.
Coding change: c.891G>A on transcript NM_004523.4 (MANE Select); coding-DNA position 891, G replaced by A.
Protein change: p.Arg297=; no amino-acid change (arginine 297 retained).
Molecular consequence: synonymous variant.
Genome position (GRCh38, 1-based): chr10:92,613,478, G>A. VCF-style: chr10-92613478-G-A. GRCh37 (hg19) VCF-style: chr10-94373235-G-A.
Other names: c.891G>A (NM_004523.3).
Identifiers: ClinVar variation 2824475 (VCV002824475.5), dbSNP rs2492490276, ClinGen allele CA470783523.
Genomic context (GRCh38, chr10:92,613,478, plus strand): 5'-TGTTGATAAGAGAGCTCGGGAAGCTGGAAATATAAATCAATCCCTGTTGACTTTGGGAAG[G>A]GTCATTACTGCCCTTGTAGAAAGAACACCTCATGTTCCTTATCGAGAATCTAAACTAACT-3'
Protein context (NP_004514.2, residues 287-307): NINQSLLTLG[Arg297=]VITALVERTP

ClinVar aggregate classification (germline): Likely benign. Review status: criteria provided, multiple submitters, no conflicts (2 of 4 stars). 3 submissions from 3 submitters: Likely benign (3). Last evaluated 2026-08-11.

Conditions:
KIF11-related disorder. Also called: KIF11-related condition.

Allele frequency attached by ClinVar (database versions not stated): gnomAD exomes below 0.00001.
gnomAD v4.1: 2 of 1,612,992 alleles (0.00012%); highest among the groups gnomAD compares: South Asian, 0.0022%; no homozygotes.

Submissions (3):

PreventionGenetics, part of Exact Sciences
Classification: Likely benign for KIF11-related condition. Last evaluated: 2026-08-11. Review status: criteria provided, single submitter. Criteria: ACMG Guidelines, 2015. Collection method: clinical testing. Allele origin: germline.
Comment: This variant is classified as likely benign based on ACMG/AMP sequence variant interpretation guidelines (Richards et al. 2015 PMID: 25741868, with internal and published modifications).

Labcorp Genetics (formerly Invitae), Labcorp
Classification: Likely benign. Last evaluated: 2022-12-27. Review status: criteria provided, single submitter. Criteria: Invitae Variant Classification Sherloc (09022015). Collection method: clinical testing. Allele origin: germline.

Blueprint Genetics
Classification: Likely benign. Last evaluated: 2021-08-31. Review status: criteria provided, single submitter. Criteria: ACMG Guidelines, 2015. Collection method: clinical testing. Allele origin: germline.